The following is an entry in ClinVar:

ClinVar aggregate classification (germline): Uncertain significance (1 of 4 stars; one submission).

Conditions:
Arrhythmogenic cardiomyopathy with wooly hair and keratoderma. Also called: Arrhythmogenic cardiomyopathy with woolly hair and keratoderma; Carvajal syndrome; PALMOPLANTAR KERATODERMA WITH LEFT VENTRICULAR CARDIOMYOPATHY AND WOOLLY HAIR; Dilated cardiomyopathy with woolly hair and keratoderma. Identifiers: Orphanet 65282, MedGen C1854063, MONDO:0011581, OMIM 605676.
Arrhythmogenic right ventricular dysplasia 8 (ARVD8). Also called: Arrhythmogenic Right Ventricular Dysplasia/Cardiomyopathy 8; ARRHYTHMOGENIC RIGHT VENTRICULAR CARDIOMYOPATHY 8; ARRHYTHMOGENIC RIGHT VENTRICULAR DYSPLASIA, FAMILIAL, 8. Identifiers: MedGen C1843896, MONDO:0011831, OMIM 607450.

Submission:

Labcorp Genetics (formerly Invitae), Labcorp
Classification: Uncertain significance for Arrhythmogenic cardiomyopathy with wooly hair and keratoderma; Arrhythmogenic right ventricular dysplasia 8. Last evaluated: 2022-05-01. Review status: criteria provided, single submitter. Criteria: Invitae Variant Classification Sherloc (09022015). Collection method: clinical testing. Allele origin: germline.
Comment: In summary, the available evidence is currently insufficient to determine the role of this variant in disease. Therefore, it has been classified as a Variant of Uncertain Significance. Algorithms developed to predict the effect of missense changes on protein structure and function output the following: SIFT: "Tolerated"; PolyPhen-2: "Benign"; Align-GVGD: "Class C0". The isoleucine amino acid residue is found in multiple mammalian species, which suggests that this missense change does not adversely affect protein function. This variant has not been reported in the literature in individuals affected with DSP-related conditions. This variant is not present in population databases (gnomAD no frequency). This sequence change replaces valine, which is neutral and non-polar, with isoleucine, which is neutral and non-polar, at codon 1454 of the DSP protein (p.Val1454Ile).

NM_004415.4(DSP):c.4360G>A (p.Val1454Ile)

Gene: DSP (desmoplakin; plus strand). Cytogenetic location: 6p24.3.
Variant type: single nucleotide variant.
Coding change: c.4360G>A on transcript NM_004415.4 (MANE Select); coding-DNA position 4360, G replaced by A.
Protein change: p.Val1454Ile; replaces valine 1454 with isoleucine.
Molecular consequence: missense variant. On other transcripts: intron variant (2).
Genome position (GRCh38, 1-based): chr6:7,580,550, G>A. VCF-style: chr6-7580550-G-A. GRCh37 (hg19) VCF-style: chr6-7580783-G-A.
Other names: c.4050+310G>A (NM_001319034.2); c.3582+778G>A (NM_001008844.3); short protein forms V1454I.
Identifiers: ClinVar variation 1961728 (VCV001961728.5), dbSNP rs2533928374, ClinGen allele CA362686137.